The following is an entry in ClinVar:

ClinVar aggregate classification (germline): Uncertain significance. Review status: criteria provided, multiple submitters, no conflicts (2 of 4 stars). 3 submissions from 3 submitters: Uncertain significance (3). Last evaluated 2025-03-04.

Conditions:
Glycogen storage disease, type IV (GSD4). Also called: Glycogen storage disease due to glycogen branching enzyme deficiency; AMYLOPECTINOSIS; ANDERSEN DISEASE; BRANCHER DEFICIENCY; CIRRHOSIS, FAMILIAL, WITH DEPOSITION OF ABNORMAL GLYCOGEN; GBE1 DEFICIENCY. Identifiers: Orphanet 367, MedGen C0017923, MONDO:0009292, OMIM 232500.
Glycogen storage disease IV, classic hepatic. Also called: GSD IV, CLASSIC HEPATIC. Identifiers: MedGen C1856301.
Inborn genetic diseases. Identifiers: MedGen C0950123, MeSH D030342.

Allele frequency attached by ClinVar (database versions not stated): ExAC 0.00002; gnomAD 0.00002; 1000 Genomes Project 30x 0.00016; 1000 Genomes Project 0.00020.
gnomAD v4.1: 45 of 1,585,994 alleles (0.0028%); highest among the groups gnomAD compares: South Asian, 0.035%; no homozygotes.

Submissions (3):

GeneDx
Classification: Uncertain significance. Last evaluated: 2025-03-04. Review status: criteria provided, single submitter. Criteria: GeneDx Variant Classification Process June 2021. Collection method: clinical testing. Allele origin: germline. Affected: yes.
Comment: In silico analysis supports that this missense variant has a deleterious effect on protein structure/function; Has not been previously published as pathogenic or benign to our knowledge

Ambry Genetics
Classification: Uncertain significance for Inborn genetic diseases. Last evaluated: 2024-04-09. Review status: criteria provided, single submitter. Criteria: Ambry Variant Classification Scheme 2023. Collection method: clinical testing. Allele origin: germline.

Labcorp Genetics (formerly Invitae), Labcorp
Classification: Uncertain significance for Glycogen storage disease, type IV; Glycogen storage disease IV, classic hepatic. Last evaluated: 2022-07-23. Review status: criteria provided, single submitter. Criteria: Invitae Variant Classification Sherloc (09022015). Collection method: clinical testing. Allele origin: germline.
Comment: This sequence change replaces arginine, which is basic and polar, with cysteine, which is neutral and slightly polar, at codon 350 of the GBE1 protein (p.Arg350Cys). The frequency data for this variant in the population databases is considered unreliable, as metrics indicate poor data quality at this position in the gnomAD database. This variant has not been reported in the literature in individuals affected with GBE1-related conditions. Advanced modeling of protein sequence and biophysical properties (such as structural, functional, and spatial information, amino acid conservation, physicochemical variation, residue mobility, and thermodynamic stability) performed at Invitae indicates that this missense variant is not expected to disrupt GBE1 protein function. In summary, the available evidence is currently insufficient to determine the role of this variant in disease. Therefore, it has been classified as a Variant of Uncertain Significance.

NM_000158.4(GBE1):c.1048C>T (p.Arg350Cys)

Gene: GBE1 (1,4-alpha-glucan branching enzyme 1; minus strand). Cytogenetic location: 3p12.2.
Variant type: single nucleotide variant.
Coding change: c.1048C>T on transcript NM_000158.4 (MANE Select); coding-DNA position 1048, C replaced by T.
Protein change: p.Arg350Cys; replaces arginine 350 with cysteine.
Molecular consequence: missense variant.
Genome position (GRCh38, 1-based): chr3:81,593,968, G>A on the plus strand (C>T on the coding strand, the complement: GBE1 is on the minus strand). VCF-style: chr3-81593968-G-A. GRCh37 (hg19) VCF-style: chr3-81643119-G-A.
Other names: c.1048C>T (NM_000158.3); short protein forms R350C.
Identifiers: ClinVar variation 2066472 (VCV002066472.3), dbSNP rs532375434, ClinGen allele CA2499804.